The following is an entry in ClinVar:

ClinVar aggregate classification (germline): Uncertain significance (1 of 4 stars; one submission).

Conditions:
Hypertrophic cardiomyopathy 11. Also called: ACTC1-Related Familial Hypertrophic Cardiomyopathy. Identifiers: MedGen C2677506, MONDO:0012799, OMIM 612098.
Dilated cardiomyopathy 1R (CMD1R). Identifiers: Orphanet 154, Orphanet 54260, MedGen C3150681, MONDO:0013261, OMIM 613424.
Atrial septal defect 5 (ASD5). Identifiers: Orphanet 1478, MedGen C2748552, MONDO:0013011, OMIM 612794.

Submission:

Labcorp Genetics (formerly Invitae), Labcorp
Classification: Uncertain significance for Dilated cardiomyopathy 1R; Hypertrophic cardiomyopathy 11; Atrial septal defect 5. Last evaluated: 2022-10-29. Review status: criteria provided, single submitter. Criteria: Invitae Variant Classification Sherloc (09022015). Collection method: clinical testing. Allele origin: germline.
Comment: In summary, the available evidence is currently insufficient to determine the role of this variant in disease. Therefore, it has been classified as a Variant of Uncertain Significance. Advanced modeling of protein sequence and biophysical properties (such as structural, functional, and spatial information, amino acid conservation, physicochemical variation, residue mobility, and thermodynamic stability) performed at Invitae indicates that this missense variant is not expected to disrupt ACTC1 protein function. This variant has not been reported in the literature in individuals affected with ACTC1-related conditions. This variant is not present in population databases (gnomAD no frequency). This sequence change replaces threonine, which is neutral and polar, with isoleucine, which is neutral and non-polar, at codon 122 of the ACTC1 protein (p.Thr122Ile).

NM_005159.5(ACTC1):c.365C>T (p.Thr122Ile)

Genes: ACTC1 (actin alpha cardiac muscle 1; minus strand), GJD2-DT (GJD2 divergent transcript; plus strand). Cytogenetic location: 15q14.
Variant type: single nucleotide variant.
Coding change: c.365C>T on transcript NM_005159.5 (MANE Select); coding-DNA position 365, C replaced by T.
Protein change: p.Thr122Ile; replaces threonine 122 with isoleucine.
Molecular consequence: missense variant. On other transcripts: 5 prime UTR variant (1).
Genome position (GRCh38, 1-based): chr15:34,793,334, G>A on the plus strand (C>T on the coding strand, the complement: ACTC1 is on the minus strand). VCF-style: chr15-34793334-G-A. GRCh37 (hg19) VCF-style: chr15-35085535-G-A.
Other names: c.365C>T, p.Thr122Ile (NM_001406482.1, NM_001406483.1); c.230C>T, p.Thr77Ile (NM_001406484.1); c.-24C>T (NM_001406485.1); short protein forms T122I, T77I.
Identifiers: ClinVar variation 2932282 (VCV002932282.3), dbSNP rs2504182722, ClinGen allele CA391631398.